The following is an entry in ClinVar:

ClinVar aggregate classification (germline): Uncertain significance. Review status: criteria provided, multiple submitters, no conflicts (2 of 4 stars). 2 submissions from 2 submitters: Uncertain significance (2). Last evaluated 2024-10-31.

Conditions:
DICER1-related tumor predisposition. Also called: DICER1-related pleuropulmonary blastoma cancer predisposition syndrome; DICER1 syndrome. Identifiers: Orphanet 284343, MedGen C3839822, MONDO:0100216.
Hereditary cancer-predisposing syndrome. Also called: Hereditary Cancer Syndrome; Hereditary neoplastic syndrome; Neoplastic Syndromes, Hereditary; Tumor predisposition. Identifiers: Orphanet 140162, MedGen C0027672, MeSH D009386, MONDO:0015356.

gnomAD v4.1: 4 of 1,613,530 alleles (0.00025%); highest among the groups gnomAD compares: Non-Finnish European, 0.00034%; no homozygotes.

Submissions (2):

Ambry Genetics
Classification: Uncertain significance for Hereditary cancer-predisposing syndrome. Last evaluated: 2024-10-31. Review status: criteria provided, single submitter. Criteria: Ambry Variant Classification Scheme 2023. Collection method: clinical testing. Allele origin: germline.
Comment: The p.D175G variant (also known as c.524A>G), located in coding exon 4 of the DICER1 gene, results from an A to G substitution at nucleotide position 524. The aspartic acid at codon 175 is replaced by glycine, an amino acid with similar properties. This amino acid position is conserved. In addition, this alteration is predicted to be deleterious by in silico analysis. Based on the available evidence, the clinical significance of this variant remains unclear.

Labcorp Genetics (formerly Invitae), Labcorp
Classification: Uncertain significance for DICER1-related tumor predisposition. Last evaluated: 2024-07-04. Review status: criteria provided, single submitter. Criteria: Invitae Variant Classification Sherloc (09022015). Collection method: clinical testing. Allele origin: germline.
Comment: This sequence change replaces aspartic acid, which is acidic and polar, with glycine, which is neutral and non-polar, at codon 175 of the DICER1 protein (p.Asp175Gly). This variant is not present in population databases (gnomAD no frequency). This variant has not been reported in the literature in individuals affected with DICER1-related conditions. Advanced modeling of protein sequence and biophysical properties (such as structural, functional, and spatial information, amino acid conservation, physicochemical variation, residue mobility, and thermodynamic stability) performed at Invitae indicates that this missense variant is expected to disrupt DICER1 protein function with a positive predictive value of 80%. In summary, the available evidence is currently insufficient to determine the role of this variant in disease. Therefore, it has been classified as a Variant of Uncertain Significance.

NM_177438.3(DICER1):c.524A>G (p.Asp175Gly)

Gene: DICER1 (dicer 1, ribonuclease III; minus strand). Cytogenetic location: 14q32.13.
Variant type: single nucleotide variant.
Coding change: c.524A>G on transcript NM_177438.3 (MANE Select); coding-DNA position 524, A replaced by G.
Protein change: p.Asp175Gly; replaces aspartic acid 175 with glycine.
Molecular consequence: missense variant. On other transcripts: 5 prime UTR variant (1), non-coding transcript variant (6), intron variant (1).
Genome position (GRCh38, 1-based): chr14:95,130,107, T>C on the plus strand (A>G on the coding strand, the complement: DICER1 is on the minus strand). VCF-style: chr14-95130107-T-C. GRCh37 (hg19) VCF-style: chr14-95596444-T-C.
Other names: c.524A>G, p.Asp175Gly (NM_001195573.1, NM_001271282.3, NM_001291628.2 and 14 more transcripts); c.242A>G, p.Asp81Gly (NM_001395686.1); c.119A>G, p.Asp40Gly (NM_001395687.1, NM_001395688.1, NM_001395689.1 and 3 more transcripts); c.-1045A>G (NM_001395697.1); c.-20-24A>G (NM_001395691.1); short protein forms D40G, D175G, D81G.
Identifiers: ClinVar variation 3501941 (VCV003501941.3).